The following is an entry in ClinVar:

NM_014915.3(ANKRD26):c.3462C>T (p.His1154=)

Gene: ANKRD26 (ankyrin repeat domain 26; minus strand). Cytogenetic location: 10p12.1.
Variant type: single nucleotide variant.
Coding change: c.3462C>T on transcript NM_014915.3 (MANE Select); coding-DNA position 3462, C replaced by T.
Protein change: p.His1154=; no amino-acid change (histidine 1154 retained).
Molecular consequence: synonymous variant.
Genome position (GRCh38, 1-based): chr10:27,034,988, G>A on the plus strand (C>T on the coding strand, the complement: ANKRD26 is on the minus strand). VCF-style: chr10-27034988-G-A. GRCh37 (hg19) VCF-style: chr10-27323917-G-A.
Other names: c.3459C>T, p.His1153= (NM_001256053.2).
Identifiers: ClinVar variation 2171045 (VCV002171045.6), dbSNP rs376386937, ClinGen allele CA5448033.
Genomic context (GRCh38, chr10:27,034,988, plus strand): 5'-AATAGCATGAAACTGGTCTTGGATATTAATCACTGTCTTCTCTTTATTGTCAGCCTTGTT[G>A]TGGGCATCATCCAGTTGTTGTCGAAGCAACATATTCTCACTTTGTAGTTGAGACAATCTC-3'
Protein context (NP_055730.2, residues 1144-1164): MLLRQQLDDA[His1154=]NKADNKEKTV

ClinVar aggregate classification (germline): Likely benign. Review status: criteria provided, multiple submitters, no conflicts (2 of 4 stars). 3 submissions from 3 submitters: Likely benign (2). 1 of the submissions does not count toward it. Last evaluated 2025-07-31.

Conditions:
ANKRD26-related disorder. Also called: ANKRD26-related condition.
Inborn genetic diseases. Identifiers: MedGen C0950123, MeSH D030342.

Allele frequency attached by ClinVar (database versions not stated): ExAC 0.00005; gnomAD 0.00007; TOPMed 0.00007; ESP Exome Variant Server 0.00008; gnomAD exomes 0.00013.
gnomAD v4.1: 189 of 1,613,916 alleles (0.012%); highest among the groups gnomAD compares: Non-Finnish European, 0.015%; no homozygotes.

Submissions (3):

Labcorp Genetics (formerly Invitae), Labcorp
Classification: Likely benign. Last evaluated: 2025-07-31. Review status: criteria provided, single submitter. Criteria: Invitae Variant Classification Sherloc (09022015). Collection method: clinical testing. Allele origin: germline.

Ambry Genetics
Classification: Likely benign for Inborn genetic diseases. Last evaluated: 2024-10-17. Review status: criteria provided, single submitter. Criteria: Ambry Variant Classification Scheme 2023. Collection method: clinical testing. Allele origin: germline.

PreventionGenetics, part of Exact Sciences
Classification: Likely benign for ANKRD26-related condition. Last evaluated: 2024-03-20. Review status: no assertion criteria provided. Collection method: clinical testing. Allele origin: germline. Not counted in ClinVar's aggregate classification.
Comment: This variant is classified as likely benign based on ACMG/AMP sequence variant interpretation guidelines (Richards et al. 2015 PMID: 25741868, with internal and published modifications).